The following is an entry in ClinVar:

ClinVar aggregate classification (germline): Uncertain significance (1 of 4 stars; one submission).

Conditions:
Early-infantile DEE. Also called: Early infantile epileptic encephalopathy with suppression bursts; Early infantile epileptic encephalopathy; Ohtahara syndrome. Identifiers: Orphanet 1934, MedGen C0393706, MONDO:0800491.

Allele frequency attached by ClinVar (database versions not stated): gnomAD exomes below 0.00001.
gnomAD v4.1: 3 of 1,613,944 alleles (0.00019%); highest among the groups gnomAD compares: Middle Eastern, 0.016%; no homozygotes.

Submission:

Labcorp Genetics (formerly Invitae), Labcorp
Classification: Uncertain significance for Early-infantile DEE. Last evaluated: 2025-07-07. Review status: criteria provided, single submitter. Criteria: Invitae Variant Classification Sherloc (09022015). Collection method: clinical testing. Allele origin: germline.
Comment: This sequence change replaces proline, which is neutral and non-polar, with serine, which is neutral and polar, at codon 839 of the ARHGEF15 protein (p.Pro839Ser). This variant is not present in population databases (gnomAD no frequency). This variant has not been reported in the literature in individuals affected with ARHGEF15-related conditions. ClinVar contains an entry for this variant (Variation ID: 1985664). An algorithm developed to predict the effect of missense changes on protein structure and function outputs the following: PolyPhen-2: "Benign". The serine amino acid residue is found in multiple mammalian species, which suggests that this missense change does not adversely affect protein function. In summary, the available evidence is currently insufficient to determine the role of this variant in disease. Therefore, it has been classified as a Variant of Uncertain Significance.

NM_173728.4(ARHGEF15):c.2515C>T (p.Pro839Ser)

Gene: ARHGEF15 (Rho guanine nucleotide exchange factor 15; plus strand). Cytogenetic location: 17p13.1.
Variant type: single nucleotide variant.
Coding change: c.2515C>T on transcript NM_173728.4 (MANE Select); coding-DNA position 2515, C replaced by T.
Protein change: p.Pro839Ser; replaces proline 839 with serine.
Molecular consequence: missense variant.
Genome position (GRCh38, 1-based): chr17:8,320,982, C>T. VCF-style: chr17-8320982-C-T. GRCh37 (hg19) VCF-style: chr17-8224300-C-T.
Other names: c.2515C>T, p.Pro839Ser (NM_025014.2); short protein forms P839S.
Identifiers: ClinVar variation 1985664 (VCV001985664.4), dbSNP rs1905353273, ClinGen allele CA398026178.